The following is an entry in ClinVar:

ClinVar aggregate classification (germline): Uncertain significance (1 of 4 stars; one submission).

Conditions:
Neuropathy, hereditary sensory, type 2C. Also called: KIF1A-Related HSAN2 (HSAN2C); Hereditary sensory and autonomic neuropathy type IIC. Identifiers: Orphanet 970, MedGen C3280168, MONDO:0013634, OMIM 614213.
Hereditary spastic paraplegia 30. Identifiers: Orphanet 101010, MedGen C5235139, MONDO:0012476.
Intellectual disability, autosomal dominant 9 (NESCAVS). Also called: KIF1A-Related Neurodevelopmental Disorder; NESCAV SYNDROME. Identifiers: Orphanet 662367, MedGen C5393830, MONDO:0013656, OMIM 614255.

Submission:

Labcorp Genetics (formerly Invitae), Labcorp
Classification: Uncertain significance for Hereditary spastic paraplegia 30; Neuropathy, hereditary sensory, type 2C; Intellectual disability, autosomal dominant 9. Last evaluated: 2025-06-29. Review status: criteria provided, single submitter. Criteria: Invitae Variant Classification Sherloc (09022015). Collection method: clinical testing. Allele origin: germline.
Comment: This sequence change replaces valine, which is neutral and non-polar, with isoleucine, which is neutral and non-polar, at codon 144 of the KIF1A protein (p.Val144Ile). This variant is not present in population databases (gnomAD no frequency). This variant has not been reported in the literature in individuals affected with KIF1A-related conditions. An algorithm developed to predict the effect of missense changes on protein structure and function (PolyPhen-2) suggests that this variant is likely to be disruptive. In summary, the available evidence is currently insufficient to determine the role of this variant in disease. Therefore, it has been classified as a Variant of Uncertain Significance.

NM_001244008.2(KIF1A):c.430G>A (p.Val144Ile)

Gene: KIF1A (kinesin family member 1A; minus strand). Cytogenetic location: 2q37.3.
Variant type: single nucleotide variant.
Coding change: c.430G>A on transcript NM_001244008.2 (MANE Select); coding-DNA position 430, G replaced by A.
Protein change: p.Val144Ile; replaces valine 144 with isoleucine.
Molecular consequence: missense variant.
Genome position (GRCh38, 1-based): chr2:240,786,513, C>T on the plus strand (G>A on the coding strand, the complement: KIF1A is on the minus strand). VCF-style: chr2-240786513-C-T. GRCh37 (hg19) VCF-style: chr2-241725930-C-T.
Other names: c.430G>A, p.Val144Ile (NM_001320705.2, NM_001330289.2, NM_001330290.2 and 20 more transcripts); short protein forms V144I.
Identifiers: ClinVar variation 4789963 (VCV004789963.1).